The following is an entry in ClinVar:

NM_139125.4(MASP1):c.1522G>A (p.Val508Met)

Gene: MASP1 (MBL associated serine protease 1; minus strand). Cytogenetic location: 3q27.3.
Variant type: single nucleotide variant.
Coding change: c.1522G>A on transcript NM_139125.4 (MANE Select); coding-DNA position 1522, G replaced by A.
Protein change: p.Val508Met; replaces valine 508 with methionine.
Molecular consequence: missense variant. On other transcripts: non-coding transcript variant (1), intron variant (1).
Genome position (GRCh38, 1-based): chr3:187,236,349, C>T on the plus strand (G>A on the coding strand, the complement: MASP1 is on the minus strand). VCF-style: chr3-187236349-C-T. GRCh37 (hg19) VCF-style: chr3-186954137-C-T.
Other names: c.1303+5132G>A (NM_001879.6); short protein forms V508M.
Identifiers: ClinVar variation 392644 (VCV000392644.4), dbSNP rs369388819, ClinGen allele CA2749240.

ClinVar aggregate classification (germline): Uncertain significance. Review status: criteria provided, multiple submitters, no conflicts (2 of 4 stars). 2 submissions from 2 submitters: Uncertain significance (2). Last evaluated 2021-07-08.

Conditions:
Inborn genetic diseases. Identifiers: MedGen C0950123, MeSH D030342.

Allele frequency attached by ClinVar (database versions not stated): gnomAD exomes 0.00002; ExAC 0.00003; gnomAD 0.00003; TOPMed 0.00005; ESP Exome Variant Server 0.00008.
gnomAD v4.1: 28 of 1,614,140 alleles (0.0017%); highest among the groups gnomAD compares: Non-Finnish European, 0.0023%; no homozygotes.

Submissions (2):

Ambry Genetics
Classification: Uncertain significance for Inborn genetic diseases. Last evaluated: 2021-07-08. Review status: criteria provided, single submitter. Criteria: Ambry Variant Classification Scheme 2023. Collection method: clinical testing. Allele origin: germline.

GeneDx
Classification: Uncertain significance. Last evaluated: 2017-01-23. Review status: criteria provided, single submitter. Criteria: GeneDx Variant Classification (06012015). Collection method: clinical testing. Allele origin: germline. Affected: yes.
Comment: The V508M variant in the MASP1 gene has not been reported previously as a pathogenic variant, nor as a benign variant, to our knowledge. The V508M variant was not observed at any significant frequency in approximately 6500 individuals of European and African American ancestry in the NHLBI Exome Sequencing Project, indicating it is not a common benign variant in these populations. The V508M variant is a conservative amino acid substitution, which is not likely to impact secondary protein structure as these residues share similar properties. This substitution occurs at a position that is conserved across species. In silico analysis is inconsistent in its predictions as to whether or not the variant is damaging to the protein structure/function. We interpret V508M as a variant of uncertain significance.